The following is an entry in ClinVar:

NM_000238.4(KCNH2):c.3208C>T (p.Gln1070Ter)

Gene: KCNH2 (potassium voltage-gated channel subfamily H member 2; minus strand). Cytogenetic location: 7q36.1.
Variant type: single nucleotide variant.
Coding change: c.3208C>T on transcript NM_000238.4 (MANE Select); coding-DNA position 3208, C replaced by T.
Protein change: p.Gln1070Ter; replaces glutamine 1070 with a stop codon.
Molecular consequence: nonsense. On other transcripts: non-coding transcript variant (2).
Genome position (GRCh38, 1-based): chr7:150,946,999, G>A on the plus strand (C>T on the coding strand, the complement: KCNH2 is on the minus strand). VCF-style: chr7-150946999-G-A. GRCh37 (hg19) VCF-style: chr7-150644087-G-A.
Other names: c.2920C>T, p.Gln974Ter (NM_001406753.1); c.2188C>T, p.Gln730Ter (NM_172057.3); short protein forms Q974*, Q730*, Q1070*.
Identifiers: ClinVar variation 2906537 (VCV002906537.4), dbSNP rs2486001146, ClinGen allele CA369852240.

ClinVar aggregate classification (germline): Pathogenic/Likely pathogenic. Review status: criteria provided, multiple submitters, no conflicts (2 of 4 stars). 2 submissions from 2 submitters: Pathogenic (1); Likely pathogenic (1). Last evaluated 2026-08-06.

Conditions:
Long QT syndrome (LQTS). Identifiers: MedGen C0023976, MeSH D008133, MONDO:0002442. Disease mechanism: loss of function. Inheritance: Various modes of inheritance.
Long QT syndrome 2 (LQT2). Identifiers: Orphanet 101016, Orphanet 768, MedGen C3150943, MONDO:0013367, OMIM 613688.

Submissions (2):

OLLIN Analises Genomicas, OLLIN
Classification: Likely pathogenic for Long QT syndrome 2. Last evaluated: 2026-08-06. Review status: criteria provided, single submitter. Criteria: ACMG Guidelines 2015 PMID 25741868. Collection method: clinical testing. Allele origin: germline. Inheritance: Autosomal dominant inheritance.
Comment: This nonsense variant, located in exon 14 (of 15), is absent from gnomAD and has not been identified in the literature. However, it has been reported in ClinVar (accession VCV002906537.3). This variant introduces a premature stop codon, which is predicted to result in either a truncated protein or degradation of the mRNA via nonsense-mediated decay (NMD). According to the currently available evidence, this variant has been classified as likely pathogenic (PVS1, PM2_P).

Labcorp Genetics (formerly Invitae), Labcorp
Classification: Pathogenic for Long QT syndrome. Last evaluated: 2025-06-09. Review status: criteria provided, single submitter. Criteria: Invitae Variant Classification Sherloc (09022015). Collection method: clinical testing. Allele origin: germline.
Comment: This sequence change creates a premature translational stop signal (p.Gln1070*) in the KCNH2 gene. It is expected to result in an absent or disrupted protein product. Loss-of-function variants in KCNH2 are known to be pathogenic (PMID: 10973849, 19862833). This variant is not present in population databases (gnomAD no frequency). This premature translational stop signal has been observed in individual(s) with long QT syndrome (PMID: 18362022, 19184172, 21035456). ClinVar contains an entry for this variant (Variation ID: 2906537). For these reasons, this variant has been classified as Pathogenic.

Literature cited by the submitters: PubMed 10973849 (cited by Labcorp Genetics (formerly Invitae), Labcorp); PubMed 19862833 (cited by Labcorp Genetics (formerly Invitae), Labcorp); PubMed 18362022 (cited by Labcorp Genetics (formerly Invitae), Labcorp); PubMed 19184172 (cited by Labcorp Genetics (formerly Invitae), Labcorp); PubMed 21035456 (cited by Labcorp Genetics (formerly Invitae), Labcorp).